The following is an entry in ClinVar:

ClinVar aggregate classification (germline): Uncertain significance. Review status: criteria provided, multiple submitters, no conflicts (2 of 4 stars). 3 submissions from 3 submitters: Uncertain significance (3). Last evaluated 2025-12-02.

Conditions:
Inborn genetic diseases. Identifiers: MedGen C0950123, MeSH D030342.
Intestinal hypomagnesemia 1. Also called: HYPOMAGNESEMIA, INTESTINAL, WITH SECONDARY HYPOCALCEMIA; HYPOMAGNESEMIC TETANY. Identifiers: Orphanet 30924, MedGen C1865974, MONDO:0011176, OMIM 602014.

Submissions (3):

Ambry Genetics
Classification: Uncertain significance for Inborn genetic diseases. Last evaluated: 2025-12-02. Review status: criteria provided, single submitter. Criteria: Ambry Variant Classification Scheme 2023. Collection method: clinical testing. Allele origin: germline.

Labcorp Genetics (formerly Invitae), Labcorp
Classification: Uncertain significance. Last evaluated: 2024-05-31. Review status: criteria provided, single submitter. Criteria: Invitae Variant Classification Sherloc (09022015). Collection method: clinical testing. Allele origin: germline.
Comment: This sequence change replaces histidine, which is basic and polar, with aspartic acid, which is acidic and polar, at codon 550 of the TRPM6 protein (p.His550Asp). This variant is present in population databases (rs779525406, gnomAD 0.0009%). This variant has not been reported in the literature in individuals affected with TRPM6-related conditions. An algorithm developed to predict the effect of missense changes on protein structure and function (PolyPhen-2) suggests that this variant is likely to be tolerated. In summary, the available evidence is currently insufficient to determine the role of this variant in disease. Therefore, it has been classified as a Variant of Uncertain Significance.

Fulgent Genetics
Classification: Uncertain significance for Intestinal hypomagnesemia 1. Last evaluated: 2024-03-07. Review status: criteria provided, single submitter. Criteria: ACMG Guidelines, 2015. Collection method: clinical testing. Allele origin: germline.

NM_017662.5(TRPM6):c.1648C>G (p.His550Asp)

Gene: TRPM6 (transient receptor potential cation channel subfamily M member 6; minus strand). Cytogenetic location: 9q21.13.
Variant type: single nucleotide variant.
Coding change: c.1648C>G on transcript NM_017662.5 (MANE Select); coding-DNA position 1648, C replaced by G.
Protein change: p.His550Asp; replaces histidine 550 with aspartic acid.
Molecular consequence: missense variant.
Genome position (GRCh38, 1-based): chr9:74,803,877, G>C on the plus strand (C>G on the coding strand, the complement: TRPM6 is on the minus strand). VCF-style: chr9-74803877-G-C. GRCh37 (hg19) VCF-style: chr9-77418793-G-C.
Other names: c.1648C>G (NM_017662.4); c.1633C>G, p.His545Asp (NM_001177310.2, NM_001177311.2); short protein forms H545D, H550D.
Identifiers: ClinVar variation 3597612 (VCV003597612.4).
Genomic context (GRCh38, chr9:74,803,877, plus strand): 5'-TTCTAATGAACTGGGAGTGCAGCGTACTTTCTGCAGACTCATTTCTATTTCCTGAGGAGT[G>C]TCTCTGGTGCTGGGAAAGGTTTTGAACAAAGCTGGTCACTCTCTGGCACGTTATTATTTT-3'
Protein context (NP_060132.3, residues 540-560): NLYRKYKHQR[His550Asp]SSGNRNESAE